The following is an entry in ClinVar:

ClinVar aggregate classification (germline): Uncertain significance. Review status: criteria provided, multiple submitters, no conflicts (2 of 4 stars). 2 submissions from 2 submitters: Uncertain significance (2). Last evaluated 2024-04-22.

Conditions:
Hereditary nonpolyposis colorectal neoplasms. Identifiers: MedGen C0009405, MeSH D003123.

Submissions (2):

Labcorp Genetics (formerly Invitae), Labcorp
Classification: Uncertain significance for Hereditary nonpolyposis colorectal neoplasms. Last evaluated: 2024-04-22. Review status: criteria provided, single submitter. Criteria: Invitae Variant Classification Sherloc (09022015). Collection method: clinical testing. Allele origin: germline.
Comment: This sequence change replaces glycine, which is neutral and non-polar, with arginine, which is basic and polar, at codon 409 of the PMS2 protein (p.Gly409Arg). This variant is not present in population databases (gnomAD no frequency). This variant has not been reported in the literature in individuals affected with PMS2-related conditions. ClinVar contains an entry for this variant (Variation ID: 1316566). Advanced modeling of protein sequence and biophysical properties (such as structural, functional, and spatial information, amino acid conservation, physicochemical variation, residue mobility, and thermodynamic stability) performed at Invitae indicates that this missense variant is not expected to disrupt PMS2 protein function with a negative predictive value of 80%. In summary, the available evidence is currently insufficient to determine the role of this variant in disease. Therefore, it has been classified as a Variant of Uncertain Significance.

GeneDx
Classification: Uncertain significance. Last evaluated: 2019-11-26. Review status: criteria provided, single submitter. Criteria: GeneDx Variant Classification Process June 2021. Collection method: clinical testing. Allele origin: germline. Affected: yes.
Comment: Not observed in large population cohorts (Lek 2016); In silico analysis, which includes protein predictors and evolutionary conservation, supports that this variant does not alter protein structure/function; Has not been previously published as pathogenic or benign to our knowledge

NM_000535.7(PMS2):c.1225G>A (p.Gly409Arg)

Gene: PMS2 (PMS1 homolog 2, mismatch repair system component; minus strand). Cytogenetic location: 7p22.1.
Variant type: single nucleotide variant.
Coding change: c.1225G>A on transcript NM_000535.7 (MANE Select); coding-DNA position 1225, G replaced by A.
Protein change: p.Gly409Arg; replaces glycine 409 with arginine.
Molecular consequence: missense variant. On other transcripts: non-coding transcript variant (1).
Genome position (GRCh38, 1-based): chr7:5,987,540, C>T on the plus strand (G>A on the coding strand, the complement: PMS2 is on the minus strand). VCF-style: chr7-5987540-C-T. GRCh37 (hg19) VCF-style: chr7-6027171-C-T.
Other names: c.820G>A, p.Gly274Arg (NM_001322003.2, NM_001322004.2, NM_001322005.2 and 1 more transcripts); c.1069G>A, p.Gly357Arg (NM_001322006.2); c.907G>A, p.Gly303Arg (NM_001322007.2, NM_001322008.2); c.664G>A, p.Gly222Arg (NM_001322010.2); c.292G>A, p.Gly98Arg (NM_001322011.2, NM_001322012.2); c.652G>A, p.Gly218Arg (NM_001322013.2); c.1225G>A, p.Gly409Arg (NM_001322014.2); c.916G>A, p.Gly306Arg (NM_001322015.2); short protein forms G218R, G222R, G274R, G303R, G306R, G357R, G409R, G98R.
Identifiers: ClinVar variation 1316566 (VCV001316566.9), dbSNP rs864622553, ClinGen allele CA366742532.